The following is an entry in ClinVar:

ClinVar aggregate classification (germline): Uncertain significance (1 of 4 stars; one submission).

Allele frequency attached by ClinVar (database versions not stated): gnomAD 0.00001; TOPMed 0.00001; ExAC 0.00002.
gnomAD v4.1: 10 of 1,613,344 alleles (0.00062%); highest among the groups gnomAD compares: Admixed American, 0.0033%; no homozygotes.

Submission:

Labcorp Genetics (formerly Invitae), Labcorp
Classification: Uncertain significance. Last evaluated: 2022-07-05. Review status: criteria provided, single submitter. Criteria: Invitae Variant Classification Sherloc (09022015). Collection method: clinical testing. Allele origin: germline.
Comment: This variant has not been reported in the literature in individuals affected with C2CD3-related conditions. In summary, the available evidence is currently insufficient to determine the role of this variant in disease. Therefore, it has been classified as a Variant of Uncertain Significance. Algorithms developed to predict the effect of missense changes on protein structure and function are either unavailable or do not agree on the potential impact of this missense change (SIFT: "Deleterious"; PolyPhen-2: "Probably Damaging"; Align-GVGD: "Class C0"). ClinVar contains an entry for this variant (Variation ID: 1521150). This variant is present in population databases (rs774763565, gnomAD 0.006%). This sequence change replaces arginine, which is basic and polar, with tryptophan, which is neutral and slightly polar, at codon 1852 of the C2CD3 protein (p.Arg1852Trp).

NM_001286577.2(C2CD3):c.5554C>T (p.Arg1852Trp)

Gene: C2CD3 (C2 domain containing 3 centriole elongation regulator; minus strand). Cytogenetic location: 11q13.4.
Variant type: single nucleotide variant.
Coding change: c.5554C>T on transcript NM_001286577.2 (MANE Select); coding-DNA position 5554, C replaced by T.
Protein change: p.Arg1852Trp; replaces arginine 1852 with tryptophan.
Molecular consequence: missense variant.
Genome position (GRCh38, 1-based): chr11:74,042,160, G>A on the plus strand (C>T on the coding strand, the complement: C2CD3 is on the minus strand). VCF-style: chr11-74042160-G-A. GRCh37 (hg19) VCF-style: chr11-73753205-G-A.
Other names: c.5554C>T, p.Arg1852Trp (NM_015531.6); short protein forms R1852W.
Identifiers: ClinVar variation 1521150 (VCV001521150.8), dbSNP rs774763565, ClinGen allele CA6181836.